The following is an entry in ClinVar:

ClinVar aggregate classification (germline): Likely benign. Review status: criteria provided, multiple submitters, no conflicts (2 of 4 stars). 3 submissions from 3 submitters: Likely benign (3). Last evaluated 2025-08-11.

Conditions:
SLC24A1-related disorder. Also called: SLC24A1-related condition.

Allele frequency attached by ClinVar (database versions not stated): ESP Exome Variant Server 0.00008; TOPMed 0.00015; 1000 Genomes Project 30x 0.00016; 1000 Genomes Project 0.00020; ExAC 0.00035; gnomAD exomes 0.00040.
gnomAD v4.1: 299 of 1,608,130 alleles (0.019%); highest among the groups gnomAD compares: African/African-American, 0.043%; 3 homozygotes.

Submissions (3):

Labcorp Genetics (formerly Invitae), Labcorp
Classification: Likely benign. Last evaluated: 2025-08-11. Review status: criteria provided, single submitter. Criteria: Invitae Variant Classification Sherloc (09022015). Collection method: clinical testing. Allele origin: germline.

PreventionGenetics, part of Exact Sciences
Classification: Likely benign for SLC24A1-related condition. Last evaluated: 2025-02-04. Review status: criteria provided, single submitter. Criteria: ACMG Guidelines, 2015. Collection method: clinical testing. Allele origin: germline.
Comment: This variant is classified as likely benign based on ACMG/AMP sequence variant interpretation guidelines (Richards et al. 2015 PMID: 25741868, with internal and published modifications).

Blueprint Genetics
Classification: Likely benign. Last evaluated: 2024-11-21. Review status: criteria provided, single submitter. Criteria: ACMG Guidelines, 2015. Collection method: clinical testing. Allele origin: germline.

NM_004727.3(SLC24A1):c.911C>T (p.Pro304Leu)

Gene: SLC24A1 (solute carrier family 24 member 1; plus strand). Cytogenetic location: 15q22.31.
Variant type: single nucleotide variant.
Coding change: c.911C>T on transcript NM_004727.3 (MANE Select); coding-DNA position 911, C replaced by T.
Protein change: p.Pro304Leu; replaces proline 304 with leucine.
Molecular consequence: missense variant.
Genome position (GRCh38, 1-based): chr15:65,624,991, C>T. VCF-style: chr15-65624991-C-T. GRCh37 (hg19) VCF-style: chr15-65917329-C-T.
Other names: c.911C>T (NM_004727.2); c.911C>T, p.Pro304Leu (NM_001301031.1, NM_001301032.1, NM_001301033.2); short protein forms P304L.
Identifiers: ClinVar variation 1104283 (VCV001104283.11), dbSNP rs200297933, ClinGen allele CA7619818.